The following is an entry in ClinVar:

NM_001098.3(ACO2):c.2036G>A (p.Arg679His)

Genes: ACO2 (aconitase 2; plus strand), POLR3H (RNA polymerase III subunit H; minus strand). Cytogenetic location: 22q13.2.
Variant type: single nucleotide variant.
Coding change: c.2036G>A on transcript NM_001098.3 (MANE Select); coding-DNA position 2036, G replaced by A.
Protein change: p.Arg679His; replaces arginine 679 with histidine.
Molecular consequence: missense variant. On other transcripts: 3 prime UTR variant (5).
Genome position (GRCh38, 1-based): chr22:41,527,370, G>A. VCF-style: chr22-41527370-G-A. GRCh37 (hg19) VCF-style: chr22-41923374-G-A.
Other names: c.*1913C>T (NM_001018052.4, NM_001282884.2, NM_001282885.2 and 2 more transcripts); short protein forms R679H.
Identifiers: ClinVar variation 2069651 (VCV002069651.5), dbSNP rs755736937, ClinGen allele CA324583408.
Genomic context (GRCh38, chr22:41,527,370, plus strand): 5'-TGATCGGAGACGAGAACTACGGCGAGGGCTCGAGCCGGGAGCATGCAGCTCTGGAGCCTC[G>A]CCACCTTGGGGGCCGGGCCATCATCACCAAGAGCTTTGCCAGGATCCACGGTGAGCTGGA-3'
Protein context (NP_001089.1, residues 669-689): SSREHAALEP[Arg679His]HLGGRAIITK

ClinVar aggregate classification (germline): Uncertain significance. Review status: criteria provided, multiple submitters, no conflicts (2 of 4 stars). 2 submissions from 2 submitters: Uncertain significance (2). Last evaluated 2022-09-06.

Allele frequency attached by ClinVar (database versions not stated): gnomAD exomes 0.00001.
gnomAD v4.1: 7 of 1,613,874 alleles (0.00043%); highest among the groups gnomAD compares: African/African-American, 0.0013%; no homozygotes.

Submissions (2):

Labcorp Genetics (formerly Invitae), Labcorp
Classification: Uncertain significance. Last evaluated: 2022-09-06. Review status: criteria provided, single submitter. Criteria: Invitae Variant Classification Sherloc (09022015). Collection method: clinical testing. Allele origin: germline.
Comment: This sequence change replaces arginine, which is basic and polar, with histidine, which is basic and polar, at codon 679 of the ACO2 protein (p.Arg679His). In summary, the available evidence is currently insufficient to determine the role of this variant in disease. Therefore, it has been classified as a Variant of Uncertain Significance. Advanced modeling of protein sequence and biophysical properties (such as structural, functional, and spatial information, amino acid conservation, physicochemical variation, residue mobility, and thermodynamic stability) performed at Invitae indicates that this missense variant is expected to disrupt ACO2 protein function. This variant has not been reported in the literature in individuals affected with ACO2-related conditions. This variant is not present in population databases (gnomAD no frequency).

GeneDx
Classification: Uncertain significance. Last evaluated: 2022-07-11. Review status: criteria provided, single submitter. Criteria: GeneDx Variant Classification Process June 2021. Collection method: clinical testing. Allele origin: germline. Affected: yes.
Comment: Not observed at significant frequency in large population cohorts (gnomAD); In silico analysis supports that this missense variant has a deleterious effect on protein structure/function; Has not been previously published as pathogenic or benign to our knowledge